The following is an entry in ClinVar:

ClinVar aggregate classification (germline): Conflicting classifications of pathogenicity. Review status: criteria provided, conflicting classifications (1 of 4 stars). 3 submissions from 3 submitters: Uncertain significance (2); Likely benign (1). Last evaluated 2026-09-01.

Conditions:
SCN11A-related disorder. Also called: SCN11A-related condition.
Hereditary sensory and autonomic neuropathy type 7. Also called: Neuropathy, hereditary sensory and autonomic, type VII; HSAN VII. Identifiers: Orphanet 391397, MedGen C3809882, MONDO:0014244, OMIM 615548.
Familial episodic pain syndrome with predominantly lower limb involvement. Also called: Episodic pain syndrome, familial, 3. Identifiers: Orphanet 391384, Orphanet 391392, MedGen C3809899, MONDO:0014247, OMIM 615552.

Allele frequency attached by ClinVar (database versions not stated): gnomAD exomes below 0.00001 and 0.00004; gnomAD 0.00002; TOPMed 0.00002.
gnomAD v4.1: 64 of 1,605,362 alleles (0.004%); highest among the groups gnomAD compares: Middle Eastern, 0.033%; no homozygotes.

Submissions (3):

PreventionGenetics, part of Exact Sciences
Classification: Uncertain significance for SCN11A-related condition. Last evaluated: 2026-09-01. Review status: criteria provided, single submitter. Criteria: ACMG Guidelines, 2015. Collection method: clinical testing. Allele origin: germline.
Comment: The SCN11A c.481A>G variant is predicted to result in the amino acid substitution p.Ile161Val. To our knowledge, this variant has not been reported in the literature. This variant is reported in 0.0040% of alleles in individuals of African descent in gnomAD. At this time, the clinical significance of this variant is uncertain due to the absence of conclusive functional and genetic evidence.

Labcorp Genetics (formerly Invitae), Labcorp
Classification: Uncertain significance for Familial episodic pain syndrome with predominantly lower limb involvement; Hereditary sensory and autonomic neuropathy type 7. Last evaluated: 2025-10-07. Review status: criteria provided, single submitter. Criteria: Invitae Variant Classification Sherloc (09022015). Collection method: clinical testing. Allele origin: germline.
Comment: This sequence change replaces isoleucine, which is neutral and non-polar, with valine, which is neutral and non-polar, at codon 161 of the SCN11A protein (p.Ile161Val). This variant is present in population databases (no rsID available, gnomAD 0.004%). This variant has not been reported in the literature in individuals affected with SCN11A-related conditions. ClinVar contains an entry for this variant (Variation ID: 474734). An algorithm developed to predict the effect of missense changes on protein structure and function (PolyPhen-2) suggests that this variant is likely to be tolerated. In summary, the available evidence is currently insufficient to determine the role of this variant in disease. Therefore, it has been classified as a Variant of Uncertain Significance.

CeGaT Center for Human Genetics Tuebingen
Classification: Likely benign. Last evaluated: 2025-08-01. Review status: criteria provided, single submitter. Criteria: CeGaT Center For Human Genetics Tuebingen Variant Classification Criteria Version 2. Collection method: clinical testing. Allele origin: germline. Affected: yes. Observed: 1 variant allele.
Comment: SCN11A: BP5

NM_001349253.2(SCN11A):c.481A>G (p.Ile161Val)

Gene: SCN11A (sodium voltage-gated channel alpha subunit 11; minus strand). Cytogenetic location: 3p22.2.
Variant type: single nucleotide variant.
Coding change: c.481A>G on transcript NM_001349253.2 (MANE Select); coding-DNA position 481, A replaced by G.
Protein change: p.Ile161Val; replaces isoleucine 161 with valine.
Molecular consequence: missense variant.
Genome position (GRCh38, 1-based): chr3:38,945,418, T>C on the plus strand (A>G on the coding strand, the complement: SCN11A is on the minus strand). VCF-style: chr3-38945418-T-C. GRCh37 (hg19) VCF-style: chr3-38986909-T-C.
Other names: c.481A>G, p.Ile161Val (NM_014139.3); short protein forms I161V.
Identifiers: ClinVar variation 474734 (VCV000474734.15), dbSNP rs1398192783, ClinGen allele CA352175248.